The following is an entry in ClinVar:

NM_006517.5(SLC16A2):c.634G>A (p.Ala212Thr)

Gene: SLC16A2 (solute carrier family 16 member 2; plus strand). Cytogenetic location: Xq13.2.
Variant type: single nucleotide variant.
Coding change: c.634G>A on transcript NM_006517.5 (MANE Select); coding-DNA position 634, G replaced by A.
Protein change: p.Ala212Thr; replaces alanine 212 with threonine.
Molecular consequence: missense variant.
Genome position (GRCh38, 1-based): chrX:74,524,417, G>A. VCF-style: chrX-74524417-G-A. GRCh37 (hg19) VCF-style: chrX-73744252-G-A.
Other names: short protein forms A212T.
Identifiers: ClinVar variation 695449 (VCV000695449.36), dbSNP rs376266144, ClinGen allele CA10454446.

ClinVar aggregate classification (germline): Benign/Likely benign. Review status: criteria provided, multiple submitters, no conflicts (2 of 4 stars). 3 submissions from 3 submitters: Benign (1); Likely benign (2). Last evaluated 2025-03-16.

Conditions:
Spastic paraplegia. Identifiers: MedGen C0037772, HP:0001258.

Allele frequency attached by ClinVar (database versions not stated): gnomAD exomes 0.00008 and 0.00014; TOPMed 0.00012; gnomAD 0.00013 and 0.00014; ESP Exome Variant Server 0.00019; 1000 Genomes Project 0.00026; 1000 Genomes Project 30x 0.00042.
gnomAD v4.1: 166 of 1,209,737 alleles (0.014%); highest among the groups gnomAD compares: Non-Finnish European, 0.016%; no homozygotes.

Submissions (3):

Labcorp Genetics (formerly Invitae), Labcorp
Classification: Benign for Spastic paraplegia. Last evaluated: 2025-03-16. Review status: criteria provided, single submitter. Criteria: Invitae Variant Classification Sherloc (09022015). Collection method: clinical testing. Allele origin: germline.

CeGaT Center for Human Genetics Tuebingen
Classification: Likely benign. Last evaluated: 2023-04-01. Review status: criteria provided, single submitter. Criteria: CeGaT Center For Human Genetics Tuebingen Variant Classification Criteria Version 2. Collection method: clinical testing. Allele origin: germline. Affected: yes. Observed: 1 variant allele.
Comment: SLC16A2: BS2

GeneDx
Classification: Likely benign. Last evaluated: 2020-12-16. Review status: criteria provided, single submitter. Criteria: GeneDx Variant Classification Process June 2021. Collection method: clinical testing. Allele origin: germline. Affected: yes.